The following is an entry in ClinVar:

ClinVar aggregate classification (germline): Uncertain significance (1 of 4 stars; one submission).

Conditions:
Long QT syndrome (LQTS). Identifiers: MedGen C0023976, MeSH D008133, MONDO:0002442. Disease mechanism: loss of function. Inheritance: Various modes of inheritance.

gnomAD v4.1: 1 of 1,613,906 alleles (0.000062%); highest among the groups gnomAD compares: South Asian, 0.0011%; no homozygotes.

Submission:

Labcorp Genetics (formerly Invitae), Labcorp
Classification: Uncertain significance for Long QT syndrome. Last evaluated: 2024-07-24. Review status: criteria provided, single submitter. Criteria: Invitae Variant Classification Sherloc (09022015). Collection method: clinical testing. Allele origin: germline.
Comment: This sequence change replaces leucine, which is neutral and non-polar, with serine, which is neutral and polar, at codon 3189 of the AKAP9 protein (p.Leu3189Ser). This variant is not present in population databases (gnomAD no frequency). This variant has not been reported in the literature in individuals affected with AKAP9-related conditions. An algorithm developed to predict the effect of missense changes on protein structure and function (PolyPhen-2) suggests that this variant is likely to be disruptive. In summary, the available evidence is currently insufficient to determine the role of this variant in disease. Therefore, it has been classified as a Variant of Uncertain Significance.

NM_005751.5(AKAP9):c.9566T>C (p.Leu3189Ser)

Gene: AKAP9 (A-kinase anchoring protein 9; plus strand). Cytogenetic location: 7q21.2.
Variant type: single nucleotide variant.
Coding change: c.9566T>C on transcript NM_005751.5 (MANE Select); coding-DNA position 9566, T replaced by C.
Protein change: p.Leu3189Ser; replaces leucine 3189 with serine.
Molecular consequence: missense variant.
Genome position (GRCh38, 1-based): chr7:92,093,304, T>C. VCF-style: chr7-92093304-T-C. GRCh37 (hg19) VCF-style: chr7-91722618-T-C.
Other names: c.4211T>C, p.Leu1404Ser (NM_001379277.1); c.9542T>C, p.Leu3181Ser (NM_147185.3); short protein forms L1404S, L3189S, L3181S.
Identifiers: ClinVar variation 3719144 (VCV003719144.2).
Genomic context (GRCh38, chr7:92,093,304, plus strand): 5'-CACAAACTAAATTGGAACTAGAAACAACACTCAAGGCACAGCATAAACACCTAAAAGAAT[T>C]GGAGGCTTTCAGGTGTGCCAGGCTTCCTTATTAAAAACATGTAACAAGGAGTGGGAGTAA-3'
Protein context (NP_005742.4, residues 3179-3199): LKAQHKHLKE[Leu3189Ser]EAFRLEVKDK